The following is an entry in ClinVar:

NM_003718.5(CDK13):c.1459G>T (p.Ala487Ser)

Gene: CDK13 (cyclin dependent kinase 13; plus strand). Cytogenetic location: 7p14.1.
Variant type: single nucleotide variant.
Coding change: c.1459G>T on transcript NM_003718.5 (MANE Select); coding-DNA position 1459, G replaced by T.
Protein change: p.Ala487Ser; replaces alanine 487 with serine.
Molecular consequence: missense variant.
Genome position (GRCh38, 1-based): chr7:39,987,846, G>T. VCF-style: chr7-39987846-G-T. GRCh37 (hg19) VCF-style: chr7-40027445-G-T.
Other names: c.1459G>T, p.Ala487Ser (NM_031267.4); short protein forms A487S.
Identifiers: ClinVar variation 708927 (VCV000708927.15), dbSNP rs34910103, ClinGen allele CA4228496.

ClinVar aggregate classification (germline): Likely benign. Review status: criteria provided, multiple submitters, no conflicts (2 of 4 stars). 4 submissions from 4 submitters: Likely benign (4). Last evaluated 2026-04-01.

Conditions:
Inborn genetic diseases. Identifiers: MedGen C0950123, MeSH D030342.

Allele frequency attached by ClinVar (database versions not stated): ExAC 0.00027; gnomAD exomes 0.00031 and 0.00036; gnomAD 0.00034; ESP Exome Variant Server 0.00046; TOPMed 0.00046.
gnomAD v4.1: 532 of 1,614,076 alleles (0.033%); highest among the groups gnomAD compares: Middle Eastern, 0.082%; no homozygotes.

Submissions (4):

CeGaT Center for Human Genetics Tuebingen
Classification: Likely benign. Last evaluated: 2026-04-01. Review status: criteria provided, single submitter. Criteria: CeGaT Center For Human Genetics Tuebingen Variant Classification Criteria Version 2. Collection method: clinical testing. Allele origin: germline. Affected: yes. Observed: 2 variant alleles.
Comment: CDK13: BP4, BS1

Labcorp Genetics (formerly Invitae), Labcorp
Classification: Likely benign. Last evaluated: 2025-12-09. Review status: criteria provided, single submitter. Criteria: Invitae Variant Classification Sherloc (09022015). Collection method: clinical testing. Allele origin: germline.

Ambry Genetics
Classification: Likely benign for Inborn genetic diseases. Last evaluated: 2021-06-09. Review status: criteria provided, single submitter. Criteria: Ambry Variant Classification Scheme 2023. Collection method: clinical testing. Allele origin: germline.

Breakthrough Genomics
Classification: Likely benign. Review status: criteria provided, single submitter. Criteria: ACMG Guidelines, 2015. Collection method: not provided. Allele origin: germline. Inheritance: Autosomal dominant inheritance. Affected: yes.